The following is an entry in ClinVar:

ClinVar aggregate classification (germline): Likely benign (1 of 4 stars; one submission).

Allele frequency attached by ClinVar (database versions not stated): TOPMed below 0.00001; 1000 Genomes Project 0.00020.

Submission:

CeGaT Center for Human Genetics Tuebingen
Classification: Likely benign. Last evaluated: 2023-03-01. Review status: criteria provided, single submitter. Criteria: CeGaT Center For Human Genetics Tuebingen Variant Classification Criteria Version 2. Collection method: clinical testing. Allele origin: germline. Affected: yes. Observed: 1 variant allele.
Comment: FOXD4L5: BP4, BP7

NM_001126334.1(FOXD4L5):c.780C>T (p.Tyr260=)

Gene: FOXD4L5 (forkhead box D4 like 5; minus strand). Cytogenetic location: 9q21.11.
Variant type: single nucleotide variant.
Coding change: c.780C>T on transcript NM_001126334.1 (MANE Select); coding-DNA position 780, C replaced by T.
Protein change: p.Tyr260=; no amino-acid change (tyrosine 260 retained).
Molecular consequence: synonymous variant.
Genome position (GRCh38, 1-based): chr9:65,283,598, G>A on the plus strand (C>T on the coding strand, the complement: FOXD4L5 is on the minus strand). VCF-style: chr9-65283598-G-A. GRCh37 (hg19) VCF-style: chr9-70177204-G-A.
Identifiers: ClinVar variation 2659232 (VCV002659232.24), dbSNP rs565646057, ClinGen allele CA5070674.